The following continues an entry in ClinVar:

NM_000059.4(BRCA2):c.4187A>G (p.Gln1396Arg)

Gene: BRCA2. ClinVar aggregate classification (germline): Benign. Benign (1).

Submissions 23 to 29 of 29:

Counsyl
Classification: Likely benign for Breast-ovarian cancer, familial 2. Last evaluated: 2014-10-29. Review status: no assertion criteria provided. Collection method: literature only. Allele origin: unknown. Inheritance: Autosomal dominant inheritance. Not counted in ClinVar's aggregate classification.

ITMI
No classification provided. Condition: AllHighlyPenetrant. Last evaluated: 2013-09-19. Review status: no classification provided. Collection method: reference population. Allele origin: germline. Not counted in ClinVar's aggregate classification.
Comment: Please see associated publication for description of ethnicities

Sharing Clinical Reports Project (SCRP)
Classification: Benign for Breast-ovarian cancer, familial 2. Last evaluated: 2008-12-01. Review status: no assertion criteria provided. Collection method: clinical testing. Allele origin: germline. Not counted in ClinVar's aggregate classification.

Breast Cancer Information Core (BIC) (BRCA2)
Classification: Uncertain significance for Breast-ovarian cancer, familial 2. Last evaluated: 2002-05-29. Review status: no assertion criteria provided. Collection method: clinical testing. Allele origin: germline. Affected: yes. Observed: 38 variant alleles. Not counted in ClinVar's aggregate classification.

Clinical Genetics Laboratory, Department of Pathology, Netherlands Cancer Institute
Classification: Benign. Review status: no assertion criteria provided. Collection method: clinical testing. Allele origin: germline. Affected: yes. Study: VKGL Data-share Consensus. Not counted in ClinVar's aggregate classification.

Department of Pathology and Laboratory Medicine, Sinai Health System
Classification: Benign for Malignant tumor of breast. Review status: no assertion criteria provided. Collection method: clinical testing. Allele origin: unknown. Affected: yes. Study: The Canadian Open Genetics Repository (COGR). Not counted in ClinVar's aggregate classification.
Comment: The p.Gln1396Arg variant is found 5 times in UMD and 38 times in the BIC database. It was identified in the literature 3 of 4261 probands with unilateral and contalateral breast cancer patients, although an inadequate number of control chromosomes were tested to establish the variants frequency in the general population (Capanu 2011, Adem 2003, Borg 2009). It is listed in dbSNP database as coming from a "clinical source" (ID#: rs55969723) with an average heterozygosity of 0.004+/-0.043 in the human population, increasing the likelihood that this is a low frequency benign variant. It was also found in the NHLBI Exome Sequencing Project (Exome Variant Server) with a frequency of 0.002 and was classified as a benign variant by the Sharing Clinical Reports Project (SCRP) (submitted within the ClinVar database and derived from Myriad reports) along with GeneDx and BIC with uncertain significance and ITMI and Invitae who did not provide an assessment. The p.Gln1396 residue is not conserved in mammals and computational analyses (PolyPhen-2, SIFT, AlignGVGD, BLOSUM, MutationTaster) do not suggest a high likelihood of impact to the protein. In addition, in silico or computational prediction software programs (SpliceSiteFinder, MaxEntScan, NNSPLICE, GeneSplicer, HumanSpliceFinder) do not predict a difference in splicing. In the UMD database, this variant has been identified in one individual with a second pathogenic variant and a breast or ovarian cancer phenotype, thereby increasing the likelihood that this variant does not have clinical significance. In summary, the clinical significance of this variant cannot be determined with certainty at this time, although we would lean towards a more benign role for this variant. This variant is classified as Benign.

Joint Genome Diagnostic Labs from Nijmegen and Maastricht, Radboudumc and MUMC+
Classification: Benign. Review status: no assertion criteria provided. Collection method: clinical testing. Allele origin: germline. Affected: yes. Study: VKGL Data-share Consensus. Not counted in ClinVar's aggregate classification.

Literature cited by the submitters: PubMed 21990134 (cited by 3 submitters); PubMed 36329109 (cited by Genetics Program, Instituto Nacional de Cancer); PubMed 20104584 (cited by Women's Health and Genetics/Laboratory Corporation of America, LabCorp); PubMed 17924331 (cited by 3 submitters); PubMed 21520273 (cited by Women's Health and Genetics/Laboratory Corporation of America, LabCorp and Counsyl); PubMed 12491487 (cited by Women's Health and Genetics/Laboratory Corporation of America, LabCorp); PubMed 24323938 (cited by Women's Health and Genetics/Laboratory Corporation of America, LabCorp); PubMed 19471317 (cited by Women's Health and Genetics/Laboratory Corporation of America, LabCorp); PubMed 12491499 (cited by Women's Health and Genetics/Laboratory Corporation of America, LabCorp); PubMed 22034289 (cited by Women's Health and Genetics/Laboratory Corporation of America, LabCorp); PubMed 18284688 (cited by Counsyl); PubMed 24728327 (cited by Counsyl and ITMI).